The following is an entry in ClinVar:

NM_005245.4(FAT1):c.6609C>T (p.His2203=)

Gene: FAT1 (FAT atypical cadherin 1; minus strand). Cytogenetic location: 4q35.2.
Variant type: single nucleotide variant.
Coding change: c.6609C>T on transcript NM_005245.4 (MANE Select); coding-DNA position 6609, C replaced by T.
Protein change: p.His2203=; no amino-acid change (histidine 2203 retained).
Molecular consequence: synonymous variant.
Genome position (GRCh38, 1-based): chr4:186,619,977, G>A on the plus strand (C>T on the coding strand, the complement: FAT1 is on the minus strand). VCF-style: chr4-186619977-G-A. GRCh37 (hg19) VCF-style: chr4-187541131-G-A.
Other names: p.His2203=.
Identifiers: ClinVar variation 1180125 (VCV001180125.15), dbSNP rs35389971, ClinGen allele CA3166217.

ClinVar aggregate classification (germline): Benign/Likely benign. Review status: criteria provided, multiple submitters, no conflicts (2 of 4 stars). 5 submissions from 5 submitters: Benign (2); Likely benign (3). Last evaluated 2026-01-31.

Allele frequency attached by ClinVar (database versions not stated): 1000 Genomes Project 30x 0.01359; 1000 Genomes Project 0.01418; gnomAD 0.01944 and 0.01973; TOPMed 0.01946; gnomAD exomes 0.02095 and 0.02801; ExAC 0.02114; ESP Exome Variant Server 0.02120.
gnomAD v4.1: 43,863 of 1,613,946 alleles (2.7%); highest among the groups gnomAD compares: Middle Eastern, 3.2%; 697 homozygotes.

Submissions (5):

Labcorp Genetics (formerly Invitae), Labcorp
Classification: Benign. Last evaluated: 2026-01-31. Review status: criteria provided, single submitter. Criteria: Invitae Variant Classification Sherloc (09022015). Collection method: clinical testing. Allele origin: germline.

Blueprint Genetics
Classification: Likely benign. Last evaluated: 2024-11-26. Review status: criteria provided, single submitter. Criteria: ACMG Guidelines, 2015. Collection method: clinical testing. Allele origin: germline.

Mayo Clinic Laboratories, Mayo Clinic
Classification: Benign. Last evaluated: 2024-08-22. Review status: criteria provided, single submitter. Criteria: ACMG Guidelines, 2015. Collection method: clinical testing. Allele origin: germline. Observed: 4 variant alleles.
Comment: BS1, BS2, BP4, BP7

GeneDx
Classification: Likely benign. Last evaluated: 2021-10-19. Review status: criteria provided, single submitter. Criteria: GeneDx Variant Classification Process June 2021. Collection method: clinical testing. Allele origin: germline. Affected: yes.

Breakthrough Genomics
Classification: Likely benign. Review status: criteria provided, single submitter. Criteria: ACMG Guidelines, 2015. Collection method: not provided. Allele origin: germline. Inheritance: Unknown mechanism. Affected: yes.